The following is an entry in ClinVar:

ClinVar aggregate classification (germline): Likely benign (1 of 4 stars; one submission).

Allele frequency attached by ClinVar (database versions not stated): gnomAD 0.00003; gnomAD exomes 0.00004; ExAC 0.00009; 1000 Genomes Project 0.00060; 1000 Genomes Project 30x 0.00078.
gnomAD v4.1: 64 of 1,613,620 alleles (0.004%); highest among the groups gnomAD compares: South Asian, 0.058%; no homozygotes.

Submission:

CeGaT Center for Human Genetics Tuebingen
Classification: Likely benign. Last evaluated: 2022-03-01. Review status: criteria provided, single submitter. Criteria: CeGaT Center For Human Genetics Tuebingen Variant Classification Criteria Version 2. Collection method: clinical testing. Allele origin: germline. Affected: yes. Observed: 1 variant allele.
Comment: SNX19: BP4, BP7

NM_014758.3(SNX19):c.2973C>G (p.Ser991=)

Gene: SNX19 (sorting nexin 19; minus strand). Cytogenetic location: 11q24.3.
Variant type: single nucleotide variant.
Coding change: c.2973C>G on transcript NM_014758.3 (MANE Select); coding-DNA position 2973, C replaced by G.
Protein change: p.Ser991=; no amino-acid change (serine 991 retained).
Molecular consequence: synonymous variant. On other transcripts: 3 prime UTR variant (3), non-coding transcript variant (1).
Genome position (GRCh38, 1-based): chr11:130,878,428, G>C on the plus strand (C>G on the coding strand, the complement: SNX19 is on the minus strand). VCF-style: chr11-130878428-G-C. GRCh37 (hg19) VCF-style: chr11-130748323-G-C.
Other names: c.1113C>G, p.Ser371= (NM_001301089.2); c.2853C>G, p.Ser951= (NM_001347918.2); c.*64C>G (NM_001347919.2, NM_001347926.2); c.*23348C>G (NM_001347920.2); c.1302C>G, p.Ser434= (NM_001347922.2); c.1248C>G, p.Ser416= (NM_001347923.2); c.993C>G, p.Ser331= (NM_001347924.2); c.939C>G, p.Ser313= (NM_001347925.2); and 1 more.
Identifiers: ClinVar variation 2642548 (VCV002642548.24), dbSNP rs547779952, ClinGen allele CA6366491.